The following is an entry in ClinVar:

ClinVar aggregate classification (germline): Uncertain significance (1 of 4 stars; one submission).

Conditions:
Intellectual developmental disorder, autosomal dominant 44, with microcephaly. Also called: TRIO-Related Intellectual Disability; Micrognathia-recurrent infections-behavioral abnormalities-mild intellectual disability syndrome. Identifiers: Orphanet 476126, MedGen C4310740, MONDO:0014892, OMIM 617061.

gnomAD v4.1: 3 of 1,614,204 alleles (0.00019%); highest among the groups gnomAD compares: South Asian, 0.0033%; no homozygotes.

Submission:

Neuberg Centre For Genomic Medicine, NCGM
Classification: Uncertain significance for Intellectual developmental disorder, autosomal dominant 44, with microcephaly. Last evaluated: 2023-05-20. Review status: criteria provided, single submitter. Criteria: ACMG Guidelines, 2015. Collection method: clinical testing. Allele origin: germline. Inheritance: Autosomal dominant inheritance. Affected: yes.
Comment: The missense variant c.731A>G(p.Lys244Arg) in the TRIO gene has not been reported previously as a pathogenic variant nor as a benign variant, to our knowledge. This variant is absent in the gnomAD Exomes. The amino acid Lys at position 244 is changed to a Arg changing protein sequence and it might alter its composition and physico-chemical properties. Computational evidence (Polyphen, SIFT and MutationTaster) predicts conflicting evidence on protein structure and function for this variant. The amino acid change p.Lys244Arg in TRIO is predicted as conserved by GERP++ and PhyloP across 100 vertebrates. For these reasons, this variant has been classified as Uncertain Significance.

NM_007118.4(TRIO):c.731A>G (p.Lys244Arg)

Gene: TRIO (trio Rho guanine nucleotide exchange factor; plus strand). Cytogenetic location: 5p15.2.
Variant type: single nucleotide variant.
Coding change: c.731A>G on transcript NM_007118.4 (MANE Select); coding-DNA position 731, A replaced by G.
Protein change: p.Lys244Arg; replaces lysine 244 with arginine.
Molecular consequence: missense variant. On other transcripts: non-coding transcript variant (1).
Genome position (GRCh38, 1-based): chr5:14,290,906, A>G. VCF-style: chr5-14290906-A-G. GRCh37 (hg19) VCF-style: chr5-14291015-A-G.
Other names: short protein forms K244R.
Identifiers: ClinVar variation 3362843 (VCV003362843.3).